The following is an entry in ClinVar:

NM_003482.4(KMT2D):c.2797+7G>C

Gene: KMT2D (lysine methyltransferase 2D; minus strand). Cytogenetic location: 12q13.12.
Variant type: single nucleotide variant.
Coding change: c.2797+7G>C on transcript NM_003482.4 (MANE Select); 7 bases into the intron after coding-DNA position 2797, G replaced by C.
Molecular consequence: intron variant.
Genome position (GRCh38, 1-based): chr12:49,050,879, C>G on the plus strand (G>C on the coding strand, the complement: KMT2D is on the minus strand). VCF-style: chr12-49050879-C-G. GRCh37 (hg19) VCF-style: chr12-49444662-C-G.
Other names: c.2797+7G>C (NM_003482.3).
Identifiers: ClinVar variation 3024033 (VCV003024033.4), dbSNP rs1414630106, ClinGen allele CA947430207.
Genomic context (GRCh38, chr12:49,050,879, plus strand): 5'-CTTAGATTAGATGTGCCATGAAGAGTTACAGCTGTTCCAGAATAACAGAGTACTAACATC[C>G]CCTTACCTGGTGGCATCAGCTGAGGCGACAAGGATGGCTCCCCAGATGGGGACAACGGCA-3'

ClinVar aggregate classification (germline): Likely benign. Review status: criteria provided, multiple submitters, no conflicts (2 of 4 stars). 2 submissions from 2 submitters: Likely benign (2). Last evaluated 2025-02-11.

Conditions:
KMT2D-related disorder. Also called: KMT2D-Related Disorders.
Kabuki syndrome. Also called: NIIKAWA-KUROKI SYNDROME; Kabuki make-up syndrome. Identifiers: Orphanet 2322, MedGen C0796004, MONDO:0016512.

gnomAD v4.1: 3 of 1,538,586 alleles (0.00019%); highest among the groups gnomAD compares: Admixed American, 0.0059%; no homozygotes.

Submissions (2):

PreventionGenetics, part of Exact Sciences
Classification: Likely benign for KMT2D-related condition. Last evaluated: 2025-02-11. Review status: criteria provided, single submitter. Criteria: ACMG Guidelines, 2015. Collection method: clinical testing. Allele origin: germline.
Comment: This variant is classified as likely benign based on ACMG/AMP sequence variant interpretation guidelines (Richards et al. 2015 PMID: 25741868, with internal and published modifications).

Labcorp Genetics (formerly Invitae), Labcorp
Classification: Likely benign for Kabuki syndrome. Last evaluated: 2023-08-03. Review status: criteria provided, single submitter. Criteria: Invitae Variant Classification Sherloc (09022015). Collection method: clinical testing. Allele origin: germline.